The following is an entry in ClinVar:

NM_201384.3(PLEC):c.7915G>C (p.Glu2639Gln)

Gene: PLEC (plectin; minus strand). Cytogenetic location: 8q24.3.
Variant type: single nucleotide variant.
Coding change: c.7915G>C on transcript NM_201384.3 (MANE Select); coding-DNA position 7915, G replaced by C.
Protein change: p.Glu2639Gln; replaces glutamic acid 2639 with glutamine.
Molecular consequence: missense variant.
Genome position (GRCh38, 1-based): chr8:143,921,906, C>G on the plus strand (G>C on the coding strand, the complement: PLEC is on the minus strand). VCF-style: chr8-143921906-C-G. GRCh37 (hg19) VCF-style: chr8-144996074-C-G.
Other names: c.7996G>C, p.Glu2666Gln (NM_000445.5); c.7873G>C, p.Glu2625Gln (NM_201378.4); c.7849G>C, p.Glu2617Gln (NM_201379.3); c.8326G>C, p.Glu2776Gln (NM_201380.4); c.7819G>C, p.Glu2607Gln (NM_201381.3); c.7915G>C, p.Glu2639Gln (NM_201382.4); c.7927G>C, p.Glu2643Gln (NM_201383.3); short protein forms E2607Q, E2617Q, E2625Q, E2639Q, E2643Q, E2666Q, E2776Q.
Identifiers: ClinVar variation 514221 (VCV000514221.6), dbSNP rs782614096, ClinGen allele CA372521170.
Genomic context (GRCh38, chr8:143,921,906, plus strand): 5'-GCAGCCTCTGAGCTGACACCTTCCGCCGCAGGCCATCGAAGCTGTGCTCCGGCTCTGCCT[C>G]TGCCGCGGGGCCATCAAGTGCATCCCGGCCATTGGGCAGGGTCTTTGTGGCAGCCACCTG-3'
Protein context (NP_958786.1, residues 2629-2649): GRDALDGPAA[Glu2639Gln]AEPEHSFDGL

ClinVar aggregate classification (germline): Conflicting classifications of pathogenicity. Review status: criteria provided, conflicting classifications (1 of 4 stars). 2 submissions from 2 submitters: Uncertain significance (1); Likely benign (1). Last evaluated 2025-09-21.

Conditions:
Autosomal recessive limb-girdle muscular dystrophy type 2Q (LGMDR17). Also called: MUSCULAR DYSTROPHY, LIMB-GIRDLE, AUTOSOMAL RECESSIVE 17. Identifiers: Orphanet 254361, MedGen C3150989, MONDO:0013390, OMIM 613723.
Epidermolysis bullosa simplex 5C, with pyloric atresia (EBS5C). Also called: Epidermolysis bullosa simplex with pyloric atresia; PLEC-Related Epidermolysis Bullosa with Pyloric Atresia; PLEC1-Related Epidermolysis Bullosa with Pyloric Atresia. Identifiers: Orphanet 158684, MedGen C2677349, MONDO:0012807, OMIM 612138.
Epidermolysis bullosa simplex 5B, with muscular dystrophy (EBS5B). Also called: EPIDERMOLYSIS BULLOSA SIMPLEX AND LIMB-GIRDLE MUSCULAR DYSTROPHY; Epidermolysis bullosa simplex with muscular dystrophy. Identifiers: Orphanet 257, MedGen C2931072, MONDO:0009181, OMIM 226670.
Epidermolysis bullosa simplex with nail dystrophy (EBS5D). Identifiers: MedGen C4225309, MONDO:0014661, OMIM 616487.
Epidermolysis bullosa simplex, Ogna type (EBS5A). Also called: Pidermolysis bullosa simplex 5A, Ogna type; EPIDERMOLYSIS BULLOSA SIMPLEX 5A, OGNA TYPE. Identifiers: Orphanet 79401, MedGen C0432317, MONDO:0007555, OMIM 131950.

Submissions (2):

Labcorp Genetics (formerly Invitae), Labcorp
Classification: Uncertain significance for Autosomal recessive limb-girdle muscular dystrophy type 2Q; Epidermolysis bullosa simplex, Ogna type; Epidermolysis bullosa simplex with nail dystrophy; Epidermolysis bullosa simplex 5C, with pyloric atresia; Epidermolysis bullosa simplex 5B, with muscular dystrophy. Last evaluated: 2025-09-21. Review status: criteria provided, single submitter. Criteria: Invitae Variant Classification Sherloc (09022015). Collection method: clinical testing. Allele origin: germline.
Comment: This sequence change replaces glutamic acid, which is acidic and polar, with glutamine, which is neutral and polar, at codon 2666 of the PLEC protein (p.Glu2666Gln). This variant is not present in population databases (gnomAD no frequency). This variant has not been reported in the literature in individuals affected with PLEC-related conditions. ClinVar contains an entry for this variant (Variation ID: 514221). An algorithm developed to predict the effect of missense changes on protein structure and function outputs the following: PolyPhen-2: "Benign". The glutamine amino acid residue is found in multiple mammalian species, which suggests that this missense change does not adversely affect protein function. In summary, the available evidence is currently insufficient to determine the role of this variant in disease. Therefore, it has been classified as a Variant of Uncertain Significance.

GeneDx
Classification: Likely benign. Last evaluated: 2018-01-04. Review status: criteria provided, single submitter. Criteria: GeneDx Variant Classification (06012015). Collection method: clinical testing. Allele origin: germline. Affected: yes.
Comment: This variant is considered likely benign or benign based on one or more of the following criteria: it is a conservative change, it occurs at a poorly conserved position in the protein, it is predicted to be benign by multiple in silico algorithms, and/or has population frequency not consistent with disease.